The following is an entry in ClinVar:

NC_012920.1(MT-CYB):m.14952T>C

Gene: MT-CYB (mitochondrially encoded cytochrome b; plus strand).
Variant type: single nucleotide variant.
Genome position: chrM-14952-T-C.
Identifiers: ClinVar variation 693793 (VCV000693793.1), dbSNP rs1603224975, ClinGen allele CA913172543.

ClinVar aggregate classification (germline): Uncertain significance (1 of 4 stars; one submission).

Conditions:
Leigh syndrome (NULS). Also called: Leigh's necrotizing encephalopathy; Leigh's disease; Leigh's syndrome; LEIGH SYNDROME, NUCLEAR; Leigh Syndrome (mtDNA deletion); Leigh Disease. Identifiers: Orphanet 506, MedGen C2931891, MONDO:0009723, OMIM 256000.

Submission:

Wong Mito Lab, Molecular and Human Genetics, Baylor College of Medicine
Classification: Uncertain significance for Leigh syndrome. Last evaluated: 2019-10-17. Review status: criteria provided, single submitter. Criteria: Modified ACMG Guidelines (Unpublished). Collection method: clinical testing. Allele origin: germline.
Comment: The NC_012920.1:m.14952T>C (YP_003024038.1:p.Ile69Thr) variant in MTCYB gene is interpretated to be a Uncertain Significance variant based on the modified ACMG guidelines (unpublished). This variant meets the following evidence codes: PP4